The following is an entry in ClinVar:

ClinVar aggregate classification (germline): Uncertain significance (1 of 4 stars; one submission).

Conditions:
Inclusion body myopathy with early-onset Paget disease with or without frontotemporal dementia 2 (IBMPFD2). Also called: MULTISYSTEM PROTEINOPATHY 2. Identifiers: MedGen C3809468, MONDO:0014178, OMIM 615422.

Submission:

Labcorp Genetics (formerly Invitae), Labcorp
Classification: Uncertain significance for Inclusion body myopathy with early-onset Paget disease with or without frontotemporal dementia 2. Last evaluated: 2021-11-30. Review status: criteria provided, single submitter. Criteria: Invitae Variant Classification Sherloc (09022015). Collection method: clinical testing. Allele origin: germline.
Comment: In summary, the available evidence is currently insufficient to determine the role of this variant in disease. Therefore, it has been classified as a Variant of Uncertain Significance. This variant has not been reported in the literature in individuals affected with HNRNPA2B1-related conditions. This variant results in a copy number gain of the genomic region encompassing exon(s) 1-3 of the HNRNPA2B1 gene. This region includes the initiator codon of the gene. This copy number gain extends beyond the assayed region for this gene and therefore may encompass additional genes. As the precise location of this event is unknown, it may be in tandem or it may be located elsewhere in the genome.

NC_000007.13:g.(?_26237222)_(26240197_?)dup

Gene: HNRNPA2B1 (heterogeneous nuclear ribonucleoprotein A2/B1; minus strand). Cytogenetic location: 7p15.2.
Variant type: Duplication.
Identifiers: ClinVar variation 2426965 (VCV002426965.4).